The following is an entry in ClinVar:

ClinVar aggregate classification (germline): Pathogenic. Review status: criteria provided, multiple submitters, no conflicts (2 of 4 stars). 9 submissions from 9 submitters: Pathogenic (9). Last evaluated 2025-10-02.

Conditions:
Autosomal dominant SCN1A-related disorders.
SCN1A-related disorder. Also called: SCN1A-related conditions; SCN1A-related condition; SCN1A-related disorders.
Severe myoclonic epilepsy in infancy (DRVT). Also called: SEVERE MYOCLONIC EPILEPSY OF INFANCY; Epileptic encephalopathy, early infantile, 6 (Dravet syndrome); DEVELOPMENTAL AND EPILEPTIC ENCEPHALOPATHY 6A; Dravet syndrome; Severe Myoclonic Epilepsy in Infancy (SMEI). Identifiers: Orphanet 33069, MedGen C0751122, MONDO:0100135, OMIM 607208.
Early-infantile DEE. Also called: Early infantile epileptic encephalopathy; Ohtahara syndrome; Early infantile epileptic encephalopathy with suppression bursts. Identifiers: Orphanet 1934, MedGen C0393706, MONDO:0800491.
Migraine, familial hemiplegic, 3. Identifiers: Orphanet 569, MedGen C1864987, MONDO:0012320, OMIM 609634.
Generalized epilepsy with febrile seizures plus, type 2 (GEFSP2). Also called: GEFS+, TYPE 2. Identifiers: Orphanet 36387, MedGen C1858673, MONDO:0011461, OMIM 604403.

Submissions (9):

Variantyx, Inc.
Classification: Pathogenic for Autosomal dominant SCN1A-related disorders. Last evaluated: 2025-10-02. Review status: criteria provided, single submitter. Criteria: Variantyx Assertion Criteria 2022. Collection method: clinical testing. Allele origin: de novo. Inheritance: Autosomal dominant inheritance. Affected: yes.
Comment: This is a nonsense variant in the SCN1A gene (OMIM: 182389). Pathogenic variants in this gene have been associated with autosomal dominant SCN1A-related disorders. This variant likely occurred de novo in individuals reported in the published literature; however, the possibility of parental germline mosaicism cannot be excluded (PMID: 16458823) (PS2_Moderate). The alteration introduces a premature termination codon in exon 13 out of 28 and is expected to result in loss of function, which is a known disease mechanism for SCN1A in this disorder (PMID: 1893099, 16458823, 17054684) (PVS1). It has been reported in several unrelated affected individuals (PMID: 22409937) (PS4), while it is absent from control populations (PM2). Inheritance from an unaffected or mildly affected parent has been reported, consistent with incomplete penetrance and variable expressivity for autosomal dominant SCN1A-related disorders (PMID: 20301494). Based on the current evidence, this variant is classified as pathogenic for autosomal dominant SCN1A-related disorders.

Labcorp Genetics (formerly Invitae), Labcorp
Classification: Pathogenic for Early-infantile DEE. Last evaluated: 2025-09-03. Review status: criteria provided, single submitter. Criteria: Invitae Variant Classification Sherloc (09022015). Collection method: clinical testing. Allele origin: germline.
Comment: This sequence change creates a premature translational stop signal (p.Arg613*) in the SCN1A gene. It is expected to result in an absent or disrupted protein product. Loss-of-function variants in SCN1A are known to be pathogenic (PMID: 17347258, 18930999). This variant is not present in population databases (gnomAD no frequency). This premature translational stop signal has been observed in individual(s) with Dravet syndrome (PMID: 1893099, 16458823, 17054684). In at least one individual the variant was observed to be de novo. ClinVar contains an entry for this variant (Variation ID: 93635). For these reasons, this variant has been classified as Pathogenic.

Blueprint Genetics
Classification: Pathogenic for SCN1A-related disorders. Last evaluated: 2024-10-30. Review status: criteria provided, single submitter. Criteria: ACMG Guidelines, 2015. Collection method: clinical testing. Allele origin: germline. Affected: yes. Observed: 1 variant allele.

GeneDx
Classification: Pathogenic. Last evaluated: 2023-12-17. Review status: criteria provided, single submitter. Criteria: GeneDx Variant Classification Process June 2021. Collection method: clinical testing. Allele origin: germline. Affected: yes.
Comment: Nonsense variant predicted to result in protein truncation or nonsense mediated decay in a gene for which loss of function is a known mechanism of disease; Not observed at significant frequency in large population cohorts (gnomAD); This variant is associated with the following publications: (PMID: 26096185, 25525159, 16458823, 18930999, 17054684, 25459968, 18804930, 24422737, 22409937, 27236449, 27810515, 31009440, 32090326, 33278787, 35074891, 31440721, 34145886, 35571373)

Institute of Medical Genetics and Genomics, Sir Ganga Ram Hospital
Classification: Pathogenic for Severe myoclonic epilepsy in infancy. Last evaluated: 2023-10-23. Review status: criteria provided, single submitter. Criteria: ACMG Guidelines, 2015. Collection method: clinical testing. Allele origin: de novo. Inheritance: Autosomal dominant inheritance. Affected: yes. Observed: 1 heterozygote.
Comment: This heterozygous non-sense variant [PVS1] is absent in gnomAD database [PM2]. Insilico prediction [MutationTaster] predicts deleterious nature of this variant. A clinvar entry for this variant is available. A clinvar entry for this variant is available [Variation ID: 93635] with “Pathogenic” interpretation by multiple submitters [PP5]. Parental segregation confirms the “de-novo” origin of the variant. Based on the clinical correlation and available evidence, this variant is classified as "Pathogenic"

Fulgent Genetics
Classification: Pathogenic for Generalized epilepsy with febrile seizures plus, type 2; Severe myoclonic epilepsy in infancy; Migraine, familial hemiplegic, 3. Last evaluated: 2017-05-18. Review status: criteria provided, single submitter. Criteria: ACMG Guidelines, 2015. Collection method: clinical testing. Allele origin: unknown.

Center for Bioinformatics, Peking University
Classification: Pathogenic for Dravet syndrome. Last evaluated: 2014-12-20. Review status: criteria provided, single submitter. Criteria: Xu et al. (Hum Mutat. 2015). Collection method: research. Allele origin: de novo. Affected: yes. Observed: 1 variant allele. Study: University Clinical Cooperation “985 Project” PKU-2014-1-1.
Comment: Dravet syndrome (DS) probands were recruited from the outpatient and inpatient child neurology units of Peking University First Hospital from 2005 till present. The study was approved by the Ethics Committee of Peking University First Hospital and the Institutional Review Board at Peking University. Participants or their parents provided written informed consent before enrollment. We collected a total of 267 mutations from 255 families with probands diagnosed with DS in China. All probands fulfilled the clinical diagnostic criteria.

Athena Diagnostics
Classification: Pathogenic for Severe myoclonic epilepsy in infancy. Last evaluated: 2014-04-24. Review status: criteria provided, single submitter. Criteria: Athena Diagnostics Criteria. Collection method: clinical testing. Allele origin: germline. Inheritance: Autosomal dominant inheritance.

Eurofins Ntd Llc (ga)
Classification: Pathogenic. Last evaluated: 2013-04-03. Review status: criteria provided, single submitter. Criteria: EGL Classification Definitions 2015. Collection method: clinical testing. Allele origin: germline. Observed: 1 variant allele, 1 heterozygote.

Literature cited by the submitters: PubMed 22409937 (cited by Variantyx, Inc. and Athena Diagnostics); PubMed 16458823 (cited by 3 submitters); PubMed 17347258 (cited by Labcorp Genetics (formerly Invitae), Labcorp); PubMed 18930999 (cited by Labcorp Genetics (formerly Invitae), Labcorp and Athena Diagnostics); PubMed 1893099 (cited by Labcorp Genetics (formerly Invitae), Labcorp); PubMed 17054684 (cited by 3 submitters).

NM_001165963.4(SCN1A):c.1837C>T (p.Arg613Ter)

Gene: SCN1A (sodium voltage-gated channel alpha subunit 1; minus strand). Cytogenetic location: 2q24.3.
Variant type: single nucleotide variant.
Coding change: c.1837C>T on transcript NM_001165963.4 (MANE Select); coding-DNA position 1837, C replaced by T.
Protein change: p.Arg613Ter; replaces arginine 613 with a stop codon.
Molecular consequence: nonsense. On other transcripts: 5 prime UTR variant (1), non-coding transcript variant (1).
Genome position (GRCh38, 1-based): chr2:166,043,875, G>A on the plus strand (C>T on the coding strand, the complement: SCN1A is on the minus strand). VCF-style: chr2-166043875-G-A. GRCh37 (hg19) VCF-style: chr2-166900385-G-A.
Other names: c.1837C>T, p.Arg613Ter (NM_001165964.3, NM_001202435.3, NM_001353948.2 and 7 more transcripts); c.1834C>T, p.Arg612Ter (NM_001353954.2, NM_001353955.2, NM_001353960.2); c.-589C>T (NM_001353961.2); short protein forms R613*, R612*.
Identifiers: ClinVar variation 93635 (VCV000093635.20), dbSNP rs398123585, ClinGen allele CA266829.